The following is an entry in ClinVar:

ClinVar aggregate classification (germline): Uncertain significance (1 of 4 stars; one submission).

Allele frequency attached by ClinVar (database versions not stated): TOPMed 0.00004; ExAC 0.00003; gnomAD exomes 0.00001; gnomAD 0.00003.
gnomAD v4.1: 24 of 1,613,822 alleles (0.0015%); highest among the groups gnomAD compares: East Asian, 0.022%; no homozygotes.

Submission:

Labcorp Genetics (formerly Invitae), Labcorp
Classification: Uncertain significance. Last evaluated: 2025-06-12. Review status: criteria provided, single submitter. Criteria: Invitae Variant Classification Sherloc (09022015). Collection method: clinical testing. Allele origin: germline.
Comment: This sequence change replaces arginine, which is basic and polar, with cysteine, which is neutral and slightly polar, at codon 4851 of the HMCN1 protein (p.Arg4851Cys). This variant is present in population databases (rs774426967, gnomAD 0.003%). This variant has not been reported in the literature in individuals affected with HMCN1-related conditions. ClinVar contains an entry for this variant (Variation ID: 2916308). An algorithm developed to predict the effect of missense changes on protein structure and function (PolyPhen-2) suggests that this variant is likely to be disruptive. In summary, the available evidence is currently insufficient to determine the role of this variant in disease. Therefore, it has been classified as a Variant of Uncertain Significance.

NM_031935.3(HMCN1):c.14551C>T (p.Arg4851Cys)

Gene: HMCN1 (hemicentin 1; plus strand). Cytogenetic location: 1q31.1.
Variant type: single nucleotide variant.
Coding change: c.14551C>T on transcript NM_031935.3 (MANE Select); coding-DNA position 14551, C replaced by T.
Protein change: p.Arg4851Cys; replaces arginine 4851 with cysteine.
Molecular consequence: missense variant.
Genome position (GRCh38, 1-based): chr1:186,145,866, C>T. VCF-style: chr1-186145866-C-T. GRCh37 (hg19) VCF-style: chr1-186114998-C-T.
Other names: short protein forms R4851C.
Identifiers: ClinVar variation 2916308 (VCV002916308.3), dbSNP rs774426967, ClinGen allele CA1294985.
Genomic context (GRCh38, chr1:186,145,866, plus strand): 5'-GGAGGAGGTGAAAAGACTCGGAAGCGGCTGTGCGACCATCCTGTGCCAGTTAAAGGTGGC[C>T]GTCCCTGTCCCGGAGACACTACTCAGGTGACCAGGTGCAATGTACAAGCATGTCCAGGTA-3'
Protein context (NP_114141.2, residues 4841-4861): CDHPVPVKGG[Arg4851Cys]PCPGDTTQVT